The following is an entry in ClinVar:

ClinVar aggregate classification (germline): Uncertain significance (1 of 4 stars; one submission).

Conditions:
Brugada syndrome 8 (BRGDA8). Identifiers: Orphanet 130, MedGen C2751083, MONDO:0013148, OMIM 613123.

Submission:

Labcorp Genetics (formerly Invitae), Labcorp
Classification: Uncertain significance for Brugada syndrome 8. Last evaluated: 2025-03-07. Review status: criteria provided, single submitter. Criteria: Invitae Variant Classification Sherloc (09022015). Collection method: clinical testing. Allele origin: germline.
Comment: This sequence change replaces threonine, which is neutral and polar, with arginine, which is basic and polar, at codon 65 of the HCN4 protein (p.Thr65Arg). This variant is not present in population databases (gnomAD no frequency). This variant has not been reported in the literature in individuals affected with HCN4-related conditions. Invitae Evidence Modeling of protein sequence and biophysical properties (such as structural, functional, and spatial information, amino acid conservation, physicochemical variation, residue mobility, and thermodynamic stability) indicates that this missense variant is not expected to disrupt HCN4 protein function with a negative predictive value of 95%. In summary, the available evidence is currently insufficient to determine the role of this variant in disease. Therefore, it has been classified as a Variant of Uncertain Significance.

NM_005477.3(HCN4):c.194C>G (p.Thr65Arg)

Gene: HCN4 (hyperpolarization activated cyclic nucleotide gated potassium channel 4; minus strand). Cytogenetic location: 15q24.1.
Variant type: single nucleotide variant.
Coding change: c.194C>G on transcript NM_005477.3 (MANE Select); coding-DNA position 194, C replaced by G.
Protein change: p.Thr65Arg; replaces threonine 65 with arginine.
Molecular consequence: missense variant.
Genome position (GRCh38, 1-based): chr15:73,368,077, G>C on the plus strand (C>G on the coding strand, the complement: HCN4 is on the minus strand). VCF-style: chr15-73368077-G-C. GRCh37 (hg19) VCF-style: chr15-73660418-G-C.
Other names: short protein forms T65R.
Identifiers: ClinVar variation 4808726 (VCV004808726.1).